The following is an entry in ClinVar:

NM_182931.3(KMT2E):c.2196+2T>C

Gene: KMT2E (lysine methyltransferase 2E (inactive); plus strand). Cytogenetic location: 7q22.3.
Variant type: single nucleotide variant.
Coding change: c.2196+2T>C on transcript NM_182931.3 (MANE Select); the canonical splice donor site of the intron after coding-DNA position 2196, T replaced by C.
Molecular consequence: splice donor variant.
Genome position (GRCh38, 1-based): chr7:105,102,196, T>C. VCF-style: chr7-105102196-T-C. GRCh37 (hg19) VCF-style: chr7-104742643-T-C.
Other names: c.2196+2T>C (NM_001410908.1, NM_018682.4).
Identifiers: ClinVar variation 3384107 (VCV003384107.1).

ClinVar aggregate classification (germline): Likely pathogenic (1 of 4 stars; one submission).

Conditions:
O'Donnell-Luria-Rodan syndrome (ODLURO). Also called: KMT2E-Related Neurodevelopmental Disorder. Identifiers: MedGen C5193138, MONDO:0032793, OMIM 618512.

Submission:

Dubai Health Genomic Medicine Center, Dubai Health
Classification: Likely pathogenic for O'Donnell-Luria-Rodan syndrome. Last evaluated: 2024-10-04. Review status: criteria provided, single submitter. Criteria: ACMG Guidelines, 2015. Collection method: research. Allele origin: germline. Affected: yes.
Comment: PVS1,PM2